The following is an entry in ClinVar:

ClinVar aggregate classification (germline): Pathogenic (1 of 4 stars; one submission).

Conditions:
Hereditary cancer-predisposing syndrome. Also called: Tumor predisposition; Hereditary neoplastic syndrome; Hereditary Cancer Syndrome; Neoplastic Syndromes, Hereditary. Identifiers: Orphanet 140162, MedGen C0027672, MeSH D009386, MONDO:0015356.

Submission:

Ambry Genetics
Classification: Pathogenic for Hereditary cancer-predisposing syndrome. Last evaluated: 2026-02-03. Review status: criteria provided, single submitter. Criteria: Ambry Variant Classification Scheme 2023. Collection method: clinical testing. Allele origin: germline.
Comment: The c.5774delG pathogenic mutation, located in coding exon 38 of the ATM gene, results from a deletion of one nucleotide at nucleotide position 5774, causing a translational frameshift with a predicted alternate stop codon (p.G1925Efs*12). This variant has been identified in conjunction with another ATM pathogenic variant in an individual with features consistent with Ataxia telangiectasia (Li XL et al. World J Clin Cases, 2020 Jun;8:2387-2391). This alteration is expected to result in loss of function by premature protein truncation or nonsense-mediated mRNA decay. As such, this alteration is interpreted as a disease-causing mutation.

Literature cited by the submitters: PubMed 32548172.

NM_000051.4(ATM):c.5774del (p.Gly1925fs)

Genes: ATM (ATM serine/threonine kinase; plus strand), C11orf65 (chromosome 11 open reading frame 65; minus strand). Cytogenetic location: 11q22.3.
Variant type: Deletion.
Coding change: c.5774del on transcript NM_000051.4 (MANE Select); coding-DNA position 5774, one base deleted (G; older notation c.5774delG).
Protein change: p.Gly1925fs; shifts the reading frame from glycine 1925.
Molecular consequence: frameshift variant. On other transcripts: intron variant (2).
Genome position (GRCh38, 1-based): chr11:108,310,171, G deleted; the last of 2 consecutive G bases (chr11:108,310,170-108,310,171); deleting either gives the same sequence. VCF-style (leftmost placement, unchanged base first): chr11-108310169-AG-A. GRCh37 (hg19) VCF-style: chr11-108180896-AG-A.
Other names: c.5774del, p.Gly1925fs (NM_001351834.2); c.641-1099del (NM_001330368.2); c.*39-1099del (NM_001351110.2); short protein forms G1925fs.
Identifiers: ClinVar variation 4825512 (VCV004825512.1).